The following is an entry in ClinVar:

ClinVar aggregate classification (germline): Uncertain significance. Review status: criteria provided, multiple submitters, no conflicts (2 of 4 stars). 2 submissions from 2 submitters: Uncertain significance (2). Last evaluated 2025-10-28.

Allele frequency attached by ClinVar (database versions not stated): TOPMed 0.00002; gnomAD 0.00003; gnomAD exomes 0.00003; ExAC 0.00006; ESP Exome Variant Server 0.00008; 1000 Genomes Project 0.00040; 1000 Genomes Project 30x 0.00031.
gnomAD v4.1: 53 of 1,614,086 alleles (0.0033%); highest among the groups gnomAD compares: Middle Eastern, 0.016%; no homozygotes.

Submissions (2):

Labcorp Genetics (formerly Invitae), Labcorp
Classification: Uncertain significance. Last evaluated: 2025-10-28. Review status: criteria provided, single submitter. Criteria: Invitae Variant Classification Sherloc (09022015). Collection method: clinical testing. Allele origin: germline.
Comment: This sequence change replaces asparagine, which is neutral and polar, with serine, which is neutral and polar, at codon 21 of the BUB1 protein (p.Asn21Ser). This variant is present in population databases (rs376803252, gnomAD 0.007%). This variant has not been reported in the literature in individuals affected with BUB1-related conditions. ClinVar contains an entry for this variant (Variation ID: 2908123). Experimental studies and prediction algorithms are not available or were not evaluated, and the functional significance of this variant is currently unknown. In summary, the available evidence is currently insufficient to determine the role of this variant in disease. Therefore, it has been classified as a Variant of Uncertain Significance.

Ambry Genetics
Classification: Uncertain significance. Last evaluated: 2024-09-18. Review status: criteria provided, single submitter. Criteria: Ambry Variant Classification Scheme 2023. Collection method: clinical testing. Allele origin: germline.

NM_004336.5(BUB1):c.62A>G (p.Asn21Ser)

Gene: BUB1 (BUB1 mitotic checkpoint serine/threonine kinase; minus strand). Cytogenetic location: 2q13.
Variant type: single nucleotide variant.
Coding change: c.62A>G on transcript NM_004336.5 (MANE Select); coding-DNA position 62, A replaced by G.
Protein change: p.Asn21Ser; replaces asparagine 21 with serine.
Molecular consequence: missense variant. On other transcripts: intron variant (1).
Genome position (GRCh38, 1-based): chr2:110,674,330, T>C on the plus strand (A>G on the coding strand, the complement: BUB1 is on the minus strand). VCF-style: chr2-110674330-T-C. GRCh37 (hg19) VCF-style: chr2-111431907-T-C.
Other names: c.62A>G (NM_004336.3); c.62A>G, p.Asn21Ser (NM_001278617.2); c.27-106A>G (NM_001278616.2); short protein forms N21S.
Identifiers: ClinVar variation 2908123 (VCV002908123.4), dbSNP rs376803252, ClinGen allele CA1828463.
Genomic context (GRCh38, chr2:110,674,330, plus strand): 5'-GTTTGTTTAAGGGAAATAAAATAACTAAATGCTGACCTTTCCCATTCACCAAGAGGGTCA[T>C]TGCCCTTGTAGCTCTGCATGTGGGCTTCAAGCATCCTAGAAGAGAGAAAGGTATGCACAT-3'
Protein context (NP_004327.1, residues 11-31): LEAHMQSYKG[Asn21Ser]DPLGEWERYI